The following is an entry in ClinVar:

ClinVar aggregate classification (germline): Uncertain significance (1 of 4 stars; one submission).

gnomAD v4.1: 1 of 1,602,254 alleles (0.000062%); highest among the groups gnomAD compares: Non-Finnish European, 0.000085%; no homozygotes.

Submission:

Labcorp Genetics (formerly Invitae), Labcorp
Classification: Uncertain significance. Last evaluated: 2023-07-28. Review status: criteria provided, single submitter. Criteria: Invitae Variant Classification Sherloc (09022015). Collection method: clinical testing. Allele origin: germline.
Comment: In summary, the available evidence is currently insufficient to determine the role of this variant in disease. Therefore, it has been classified as a Variant of Uncertain Significance. Advanced modeling of protein sequence and biophysical properties (such as structural, functional, and spatial information, amino acid conservation, physicochemical variation, residue mobility, and thermodynamic stability) performed at Invitae indicates that this missense variant is not expected to disrupt KMT2B protein function. This variant has not been reported in the literature in individuals affected with KMT2B-related conditions. This variant is not present in population databases (gnomAD no frequency). This sequence change replaces glycine, which is neutral and non-polar, with glutamic acid, which is acidic and polar, at codon 2345 of the KMT2B protein (p.Gly2345Glu).

NM_014727.3(KMT2B):c.7034G>A (p.Gly2345Glu)

Gene: KMT2B (lysine methyltransferase 2B; plus strand). Cytogenetic location: 19q13.12.
Variant type: single nucleotide variant.
Coding change: c.7034G>A on transcript NM_014727.3 (MANE Select); coding-DNA position 7034, G replaced by A.
Protein change: p.Gly2345Glu; replaces glycine 2345 with glutamic acid.
Molecular consequence: missense variant.
Genome position (GRCh38, 1-based): chr19:35,733,671, G>A. VCF-style: chr19-35733671-G-A. GRCh37 (hg19) VCF-style: chr19-36224572-G-A.
Other names: short protein forms G2345E.
Identifiers: ClinVar variation 2745578 (VCV002745578.3), dbSNP rs2513357556, ClinGen allele CA405431253.